The following is an entry in ClinVar:

NM_016148.5(SHANK1):c.6208T>G (p.Ser2070Ala)

Gene: SHANK1 (SH3 and multiple ankyrin repeat domains 1; minus strand). Cytogenetic location: 19q13.33.
Variant type: single nucleotide variant.
Coding change: c.6208T>G on transcript NM_016148.5 (MANE Select); coding-DNA position 6208, T replaced by G.
Protein change: p.Ser2070Ala; replaces serine 2070 with alanine.
Molecular consequence: missense variant.
Genome position (GRCh38, 1-based): chr19:50,662,243, A>C on the plus strand (T>G on the coding strand, the complement: SHANK1 is on the minus strand). VCF-style: chr19-50662243-A-C. GRCh37 (hg19) VCF-style: chr19-51165500-A-C.
Other names: short protein forms S2070A.
Identifiers: ClinVar variation 3373108 (VCV003373108.1).

ClinVar aggregate classification (germline): Uncertain significance (1 of 4 stars; one submission).

gnomAD v4.1: 2 of 1,610,626 alleles (0.00012%); highest among the groups gnomAD compares: Non-Finnish European, 0.000085%; no homozygotes.

Submission:

GeneDx
Classification: Uncertain significance. Last evaluated: 2024-04-25. Review status: criteria provided, single submitter. Criteria: GeneDx Variant Classification Process June 2021. Collection method: clinical testing. Allele origin: germline. Affected: yes.
Comment: Not observed at significant frequency in large population cohorts (gnomAD); In silico analysis indicates that this missense variant does not alter protein structure/function; Has not been previously published as pathogenic or benign to our knowledge